The following is an entry in ClinVar:

NM_003906.5(MCM3AP):c.5084A>G (p.Gln1695Arg)

Genes: MCM3AP (minichromosome maintenance complex component 3 associated protein; minus strand), MCM3AP-AS1 (MCM3AP antisense RNA 1; plus strand). Cytogenetic location: 21q22.3.
Variant type: single nucleotide variant.
Coding change: c.5084A>G on transcript NM_003906.5 (MANE Select); coding-DNA position 5084, A replaced by G.
Protein change: p.Gln1695Arg; replaces glutamine 1695 with arginine.
Molecular consequence: missense variant.
Genome position (GRCh38, 1-based): chr21:46,243,677, T>C on the plus strand (A>G on the coding strand, the complement: MCM3AP is on the minus strand). VCF-style: chr21-46243677-T-C. GRCh37 (hg19) VCF-style: chr21-47663591-T-C.
Other names: short protein forms Q1695R.
Identifiers: ClinVar variation 1938861 (VCV001938861.3), dbSNP rs773425653, ClinGen allele CA10075949.

ClinVar aggregate classification (germline): Uncertain significance (1 of 4 stars; one submission).

Allele frequency attached by ClinVar (database versions not stated): TOPMed below 0.00001; ExAC 0.00001; gnomAD 0.00001; gnomAD exomes 0.00001.
gnomAD v4.1: 16 of 1,614,038 alleles (0.00099%); highest among the groups gnomAD compares: South Asian, 0.012%; no homozygotes.

Submission:

Labcorp Genetics (formerly Invitae), Labcorp
Classification: Uncertain significance. Last evaluated: 2025-06-20. Review status: criteria provided, single submitter. Criteria: Invitae Variant Classification Sherloc (09022015). Collection method: clinical testing. Allele origin: germline.
Comment: This sequence change replaces glutamine, which is neutral and polar, with arginine, which is basic and polar, at codon 1695 of the MCM3AP protein (p.Gln1695Arg). This variant is present in population databases (rs773425653, gnomAD 0.003%). This variant has not been reported in the literature in individuals affected with MCM3AP-related conditions. ClinVar contains an entry for this variant (Variation ID: 1938861). An algorithm developed to predict the effect of missense changes on protein structure and function (PolyPhen-2) suggests that this variant is likely to be disruptive. In summary, the available evidence is currently insufficient to determine the role of this variant in disease. Therefore, it has been classified as a Variant of Uncertain Significance.